The following is an entry in ClinVar:

ClinVar aggregate classification (germline): Benign/Likely benign. Review status: criteria provided, multiple submitters, no conflicts (2 of 4 stars). 8 submissions from 8 submitters: Benign (1); Likely benign (6). 1 of the submissions does not count toward it. Last evaluated 2025-11-10.

Conditions:
APC-related disorder. Also called: APC-related condition.
Hereditary cancer-predisposing syndrome. Also called: Neoplastic Syndromes, Hereditary; Tumor predisposition; Hereditary Cancer Syndrome; Hereditary neoplastic syndrome. Identifiers: Orphanet 140162, MedGen C0027672, MeSH D009386, MONDO:0015356.
Classic or attenuated familial adenomatous polyposis. Identifiers: MedGen CN372698, MONDO:0021057.
Familial adenomatous polyposis 1 (FAP1). Also called: FAMILIAL ADENOMATOUS POLYPOSIS 1, ATTENUATED; POLYPOSIS, ADENOMATOUS INTESTINAL. Identifiers: MedGen C2713442, MONDO:0021056, OMIM 175100. Disease mechanism: loss of function.

Allele frequency attached by ClinVar (database versions not stated): gnomAD 0.00001; TOPMed 0.00001; ExAC 0.00002; gnomAD exomes 0.00002.
gnomAD v4.1: 18 of 1,613,854 alleles (0.0011%); highest among the groups gnomAD compares: Admixed American, 0.0033%; no homozygotes.

Submissions (8):

Labcorp Genetics (formerly Invitae), Labcorp
Classification: Likely benign for Familial adenomatous polyposis 1. Last evaluated: 2025-11-10. Review status: criteria provided, single submitter. Criteria: Invitae Variant Classification Sherloc (09022015). Collection method: clinical testing. Allele origin: germline.

Quest Diagnostics Nichols Institute San Juan Capistrano
Classification: Likely benign. Last evaluated: 2025-08-13. Review status: criteria provided, single submitter. Criteria: Quest Diagnostics criteria. Collection method: clinical testing. Allele origin: unknown.

Myriad Genetics, Inc.
Classification: Benign for Familial adenomatous polyposis 1. Last evaluated: 2024-04-09. Review status: criteria provided, single submitter. Criteria: Myriad Autosomal Dominant, Autosomal Recessive and X-Linked Classification Criteria (2023). Collection method: clinical testing. Allele origin: unknown.
Comment: This variant is considered benign. This variant is a silent/synonymous amino acid change and it is not expected to impact splicing.

All of Us Research Program, National Institutes of Health
Classification: Likely benign for Classic or attenuated familial adenomatous polyposis. Last evaluated: 2023-12-13. Review status: criteria provided, single submitter. Criteria: ACMG Guidelines, 2015. Collection method: clinical testing. Allele origin: germline. Inheritance: Autosomal dominant inheritance. Observed: 2 variant alleles, 2 heterozygotes.
Comment: This study involves interpretation of variants in research participants for the purpose of population health screening. Participant phenotype was not available at the time of variant classification. Additional details can be found in publication PMID: 35346344, PMCID: PMC8962531

Color Diagnostics, LLC DBA Color Health
Classification: Likely benign for Hereditary cancer-predisposing syndrome. Last evaluated: 2019-11-25. Review status: criteria provided, single submitter. Criteria: ACMG Guidelines, 2015. Collection method: clinical testing. Allele origin: germline.

GeneDx
Classification: Likely benign. Last evaluated: 2018-03-13. Review status: criteria provided, single submitter. Criteria: GeneDx Variant Classification (06012015). Collection method: clinical testing. Allele origin: germline. Affected: yes.
Comment: This variant is considered likely benign or benign based on one or more of the following criteria: it is a conservative change, it occurs at a poorly conserved position in the protein, it is predicted to be benign by multiple in silico algorithms, and/or has population frequency not consistent with disease.

Ambry Genetics
Classification: Likely benign for Hereditary cancer-predisposing syndrome. Last evaluated: 2016-10-14. Review status: criteria provided, single submitter. Criteria: Ambry Variant Classification Scheme 2023. Collection method: clinical testing. Allele origin: germline.

PreventionGenetics, part of Exact Sciences
Classification: Likely benign for APC-related condition. Last evaluated: 2019-03-27. Review status: no assertion criteria provided. Collection method: clinical testing. Allele origin: germline. Not counted in ClinVar's aggregate classification.
Comment: This variant is classified as likely benign based on ACMG/AMP sequence variant interpretation guidelines (Richards et al. 2015 PMID: 25741868, with internal and published modifications).

NM_000038.6(APC):c.7491G>A (p.Ser2497=)

Gene: APC (APC regulator of Wnt signaling pathway; plus strand). Cytogenetic location: 5q22.2.
Variant type: single nucleotide variant.
Coding change: c.7491G>A on transcript NM_000038.6 (MANE Select); coding-DNA position 7491, G replaced by A.
Protein change: p.Ser2497=; no amino-acid change (serine 2497 retained).
Molecular consequence: synonymous variant.
Genome position (GRCh38, 1-based): chr5:112,843,085, G>A. VCF-style: chr5-112843085-G-A. GRCh37 (hg19) VCF-style: chr5-112178782-G-A.
Other names: c.7491G>A, p.Ser2497= (NM_001127510.3, NM_001354895.2); c.7437G>A, p.Ser2479= (NM_001127511.3); c.7545G>A, p.Ser2515= (NM_001354896.2); c.7521G>A, p.Ser2507= (NM_001354897.2); c.7416G>A, p.Ser2472= (NM_001354898.2); c.7407G>A, p.Ser2469= (NM_001354899.2); c.7368G>A, p.Ser2456= (NM_001354900.2); c.7314G>A, p.Ser2438= (NM_001354901.2); and 5 more.
Identifiers: ClinVar variation 482284 (VCV000482284.24), dbSNP rs776327733, ClinGen allele CA048237.